The following is an entry in ClinVar:

NM_003923.3(FOXH1):c.610G>T (p.Val204Leu)

Gene: FOXH1 (forkhead box H1; minus strand). Cytogenetic location: 8q24.3.
Variant type: single nucleotide variant.
Coding change: c.610G>T on transcript NM_003923.3 (MANE Select); coding-DNA position 610, G replaced by T.
Protein change: p.Val204Leu; replaces valine 204 with leucine.
Molecular consequence: missense variant.
Genome position (GRCh38, 1-based): chr8:144,474,726, C>A on the plus strand (G>T on the coding strand, the complement: FOXH1 is on the minus strand). VCF-style: chr8-144474726-C-A. GRCh37 (hg19) VCF-style: chr8-145700109-C-A.
Other names: short protein forms V204L.
Identifiers: ClinVar variation 2636833 (VCV002636833.2), dbSNP rs1278245836, ClinGen allele CA372724226.

ClinVar aggregate classification (germline): Uncertain significance. Review status: criteria provided, multiple submitters, no conflicts (2 of 4 stars). 2 submissions from 2 submitters: Uncertain significance (2). Last evaluated 2024-03-01.

Conditions:
FOXH1-related disorder. Also called: FOXH1-related condition.

Allele frequency attached by ClinVar (database versions not stated): TOPMed below 0.00001; gnomAD 0.00001; gnomAD exomes 0.00001.

Submissions (2):

GeneDx
Classification: Uncertain significance. Last evaluated: 2024-03-01. Review status: criteria provided, single submitter. Criteria: GeneDx Variant Classification Process June 2021. Collection method: clinical testing. Allele origin: germline. Affected: yes.
Comment: Not observed at significant frequency in large population cohorts (gnomAD); In silico analysis supports that this missense variant does not alter protein structure/function; Has not been previously published as pathogenic or benign to our knowledge

PreventionGenetics, part of Exact Sciences
Classification: Uncertain significance for FOXH1-related condition. Last evaluated: 2022-11-23. Review status: criteria provided, single submitter. Criteria: ACMG Guidelines, 2015. Collection method: clinical testing. Allele origin: germline.
Comment: The FOXH1 c.610G>T variant is predicted to result in the amino acid substitution p.Val204Leu. To our knowledge, this variant has not been reported in the literature or in a large population database, indicating this variant is rare. At this time, the clinical significance of this variant is uncertain due to the absence of conclusive functional and genetic evidence.